The following is an entry in ClinVar:

NM_133259.4(LRPPRC):c.40G>A (p.Ala14Thr)

Gene: LRPPRC (leucine rich pentatricopeptide repeat containing; minus strand). Cytogenetic location: 2p21.
Variant type: single nucleotide variant.
Coding change: c.40G>A on transcript NM_133259.4 (MANE Select); coding-DNA position 40, G replaced by A.
Protein change: p.Ala14Thr; replaces alanine 14 with threonine.
Molecular consequence: missense variant.
Genome position (GRCh38, 1-based): chr2:43,995,908, C>T on the plus strand (G>A on the coding strand, the complement: LRPPRC is on the minus strand). VCF-style: chr2-43995908-C-T. GRCh37 (hg19) VCF-style: chr2-44223047-C-T.
Other names: short protein forms A14T.
Identifiers: ClinVar variation 3391273 (VCV003391273.1).

ClinVar aggregate classification (germline): Uncertain significance (1 of 4 stars; one submission).

Conditions:
Congenital lactic acidosis, Saguenay-Lac-Saint-Jean type (MC4DN5). Also called: CYTOCHROME c OXIDASE DEFICIENCY, FRENCH CANADIAN TYPE; COX DEFICIENCY, FRENCH CANADIAN TYPE; MITOCHONDRIAL COMPLEX IV DEFICIENCY, NUCLEAR TYPE 5. Identifiers: Orphanet 70472, MedGen C1857355, MONDO:0009069, OMIM 220111.

Submission:

Neuberg Centre For Genomic Medicine, NCGM
Classification: Uncertain significance for Congenital lactic acidosis, Saguenay-Lac-Saint-Jean type. Review status: criteria provided, single submitter. Criteria: ACMG Guidelines, 2015. Collection method: clinical testing. Allele origin: germline. Inheritance: Autosomal recessive inheritance. Affected: yes.
Comment: The observed missense variant c.40G>Ap.Ala14Thr in the LRPPRC gene has not been reported previously as a pathogenic variantnor as a benign variant, to our knowledge. This variant is absent in the gnomAD Exomes. The amino acid Ala at position 14 ischanged to a Thr changing protein sequence and it might alter its composition and physico-chemical properties. Multiple lines ofcomputational evidence Polyphen - Benign, SIFT - Tolerated and MutationTaster - Polymorphism predict no damaging effect onprotein structure and function for this variant. The residue is conserved by GERP++ and PhyloP across 100 vertebrates. For thesereasons, this variant has been classified as Uncertain Significance.